The following is an entry in ClinVar:

NM_000037.4(ANK1):c.1801-18C>A

Gene: ANK1 (ankyrin 1; minus strand). Cytogenetic location: 8p11.21.
Variant type: single nucleotide variant.
Coding change: c.1801-18C>A on transcript NM_000037.4 (MANE Select); 18 bases into the intron before coding-DNA position 1801, C replaced by A.
Molecular consequence: intron variant.
Genome position (GRCh38, 1-based): chr8:41,708,993, G>T on the plus strand (C>A on the coding strand, the complement: ANK1 is on the minus strand). VCF-style: chr8-41708993-G-T. GRCh37 (hg19) VCF-style: chr8-41566511-G-T.
Other names: c.1900-18C>A (NM_001142446.2); c.1801-18C>A (NM_020477.3, NM_020475.3, NM_020476.3).
Identifiers: ClinVar variation 2735159 (VCV002735159.3), dbSNP rs756538201, ClinGen allele CA851808899.

ClinVar aggregate classification (germline): Uncertain significance (1 of 4 stars; one submission).

gnomAD v4.1: 1 of 1,613,088 alleles (0.000062%); highest among the groups gnomAD compares: Non-Finnish European, 0.000085%; no homozygotes.

Submission:

Labcorp Genetics (formerly Invitae), Labcorp
Classification: Uncertain significance. Last evaluated: 2025-11-13. Review status: criteria provided, single submitter. Criteria: Invitae Variant Classification Sherloc (09022015). Collection method: clinical testing. Allele origin: germline.
Comment: This sequence change falls in intron 16 of the ANK1 gene. It does not directly change the encoded amino acid sequence of the ANK1 protein. This variant is not present in population databases (gnomAD no frequency). This variant has been observed in individual(s) with hereditary spherocytosis (PMID: 8640229). This variant is also known as 1885-18C>A. ClinVar contains an entry for this variant (Variation ID: 2735159). Algorithms developed to predict the effect of sequence changes on RNA splicing suggest that this variant is not likely to affect RNA splicing. In summary, the available evidence is currently insufficient to determine the role of this variant in disease. Therefore, it has been classified as a Variant of Uncertain Significance.

Literature cited by the submitters: PubMed 8640229.